The following is an entry in ClinVar:

NM_001034853.2(RPGR):c.1206_1215del (p.Gln403fs)

Gene: RPGR (retinitis pigmentosa GTPase regulator; minus strand). Cytogenetic location: Xp11.4.
Variant type: Deletion.
Coding change: c.1206_1215del on transcript NM_001034853.2 (MANE Select); coding-DNA positions 1206 to 1215, 10 bases deleted (GCAGAGGACT; older notation c.1206_1215delGCAGAGGACT).
Protein change: p.Gln403fs; shifts the reading frame from glutamine 403.
Molecular consequence: frameshift variant. On other transcripts: non-coding transcript variant (6), intron variant (2).
Genome position (GRCh38, 1-based): chrX:38,298,986-38,298,995, AGTCCTCTGC deleted on the plus strand (GCAGAGGACT on the coding strand, the reverse complement: RPGR is on the minus strand); deleting any 10 consecutive bases within chrX:38,298,986-38,298,998 gives the same sequence; the c. name uses the placement nearest the transcript's 3' end. VCF-style (leftmost placement, unchanged base first): chrX-38298985-GAGTCCTCTGC-G. GRCh37 (hg19) VCF-style: chrX-38158238-GAGTCCTCTGC-G.
Other names: c.1206_1215del, p.Gln403fs (NM_000328.3, NM_001367247.1); c.1203_1212del, p.Gln402fs (NM_001367245.1, NM_001367249.1, NM_001367250.1); c.1236_1245del, p.Gln413fs (NM_001367248.1); c.1060-1543_1060-1534del (NM_001367251.1, NM_001367246.1); short protein forms Q403fs, Q413fs, Q402fs.
Identifiers: ClinVar variation 2114229 (VCV002114229.4), dbSNP rs2519828813, ClinGen allele CA2580100952.

ClinVar aggregate classification (germline): Pathogenic (1 of 4 stars; one submission).

Conditions:
Primary ciliary dyskinesia. Also called: Ciliary dyskinesia. Identifiers: Orphanet 244, MedGen C0008780, MONDO:0016575, HP:0012265.

Submission:

Labcorp Genetics (formerly Invitae), Labcorp
Classification: Pathogenic for Primary ciliary dyskinesia. Last evaluated: 2022-03-19. Review status: criteria provided, single submitter. Criteria: Invitae Variant Classification Sherloc (09022015). Collection method: clinical testing. Allele origin: germline.
Comment: Algorithms developed to predict the effect of sequence changes on RNA splicing suggest that this variant may disrupt the consensus splice site. For these reasons, this variant has been classified as Pathogenic. This sequence change creates a premature translational stop signal (p.Gln403Tyrfs*19) in the RPGR gene. It is expected to result in an absent or disrupted protein product. Loss-of-function variants in RPGR are known to be pathogenic (PMID: 16055928, 16969763). This variant has not been reported in the literature in individuals affected with RPGR-related conditions. This variant is not present in population databases (gnomAD no frequency).

Literature cited by the submitters: PubMed 16055928; PubMed 16969763.